The following is an entry in ClinVar:

NM_014765.3(TOMM20):c.*2185A>G

Gene: TOMM20 (translocase of outer mitochondrial membrane 20; minus strand). Cytogenetic location: 1q42.3.
Variant type: single nucleotide variant.
Coding change: c.*2185A>G on transcript NM_014765.3 (MANE Select); 2185 bases downstream of the stop codon, A replaced by G.
Molecular consequence: 3 prime UTR variant.
Genome position (GRCh38, 1-based): chr1:235,109,879, T>C on the plus strand (A>G on the coding strand, the complement: TOMM20 is on the minus strand). VCF-style: chr1-235109879-T-C. GRCh37 (hg19) VCF-style: chr1-235273194-T-C.
Identifiers: ClinVar variation 1181185 (VCV001181185.3), dbSNP rs7930, ClinGen allele CA10860993.

ClinVar aggregate classification (germline): Benign. Review status: criteria provided, multiple submitters, no conflicts (2 of 4 stars). 2 submissions from 2 submitters: Benign (2). Last evaluated 2020-02-18.

Allele frequency attached by ClinVar (database versions not stated): 1000 Genomes Project 0.13838; 1000 Genomes Project 30x 0.14257; TOPMed 0.17822.
gnomAD v4.1: 26,481 of 152,202 alleles (17%); highest among the groups gnomAD compares: Middle Eastern, 25%; 2,586 homozygotes.

Submissions (2):

GeneDx
Classification: Benign. Last evaluated: 2020-02-18. Review status: criteria provided, single submitter. Criteria: GeneDx Variant Classification Process June 2021. Collection method: clinical testing. Allele origin: germline. Affected: yes.
Comment: This variant is associated with the following publications: (PMID: 27853382)

Breakthrough Genomics
Classification: Benign. Review status: criteria provided, single submitter. Criteria: ACMG Guidelines, 2015. Collection method: not provided. Allele origin: germline. Inheritance: Unknown mechanism. Affected: yes.